The following is an entry in ClinVar:

ClinVar aggregate classification (germline): Likely pathogenic (1 of 4 stars; one submission).

Conditions:
Neuronal ceroid lipofuscinosis 1 (CLN1). Also called: CEROID LIPOFUSCINOSIS, NEURONAL, 1, VARIABLE AGE AT ONSET; PPT1-Related Neuronal Ceroid-Lipofuscinosis. Identifiers: Orphanet 228329, MedGen C1850451, MONDO:0009744, OMIM 256730.

Submission:

Natera, Inc.
Classification: Likely pathogenic for Neuronal ceroid lipofuscinosis 1. Last evaluated: 2025-08-25. Review status: criteria provided, single submitter. Criteria: Natera Variant Classification Schema (03/2026). Collection method: clinical testing. Allele origin: germline.
Comment: The c.225_226insAC variant in PPT1 is a frameshift variant predicted to shift the reading frame beginning at codon 76 and leads to a stop codon 2 codons downstream. This variant is expected to result in nonsense mediated decay, truncation, or a dysfunctional protein product. This variant is rare in the general population with a frequency below the threshold expected for the associated phenotype(s). Given the available evidence, this variant is classified as Likely Pathogenic.

NM_000310.4(PPT1):c.225_226insAC (p.Leu76fs)

Gene: PPT1 (palmitoyl-protein thioesterase 1; minus strand). Cytogenetic location: 1p34.2.
Variant type: Insertion.
Coding change: c.225_226insAC on transcript NM_000310.4 (MANE Select); coding-DNA positions 225 to 226, AC inserted.
Protein change: p.Leu76fs; shifts the reading frame from leucine 76.
Molecular consequence: frameshift variant. On other transcripts: intron variant (1).
Genome position: GRCh38 VCF-style: chr1-40092406-G-GGT. GRCh37 (hg19) VCF-style: chr1-40558078-G-GGT.
Other names: c.225_226insAC, p.Leu76fs (NM_001363695.2); c.125-2895_125-2894insCA (NM_001142604.2); c.225_226insAC (NM_000310.3); short protein forms L76fs.
Identifiers: ClinVar variation 4818144 (VCV004818144.1).
Genomic context (GRCh38, chr1:40,092,406, plus strand): 5'-GCTATGAAATCAGTCAGCAACCCTTCAAAGGAACAGCTGTGAAGCGCCTTACCTCCATCA[G>GGT]GGTCTTCCCAATCTCTAAAGATAAGACGTAAATTCCAGGTATTTTCTTCTCCACCATTTT-3'